The following is an entry in ClinVar:

NM_001101362.3(KBTBD13):c.1373T>C (p.Leu458Pro)

Gene: KBTBD13 (kelch repeat and BTB domain containing 13; plus strand). Cytogenetic location: 15q22.31.
Variant type: single nucleotide variant.
Coding change: c.1373T>C on transcript NM_001101362.3 (MANE Select); coding-DNA position 1373, T replaced by C.
Protein change: p.Leu458Pro; replaces leucine 458 with proline.
Molecular consequence: missense variant.
Genome position (GRCh38, 1-based): chr15:65,078,188, T>C. VCF-style: chr15-65078188-T-C. GRCh37 (hg19) VCF-style: chr15-65370526-T-C.
Other names: short protein forms L458P.
Identifiers: ClinVar variation 1362109 (VCV001362109.8), dbSNP rs2140546272, ClinGen allele CA392867221.

ClinVar aggregate classification (germline): Uncertain significance (1 of 4 stars; one submission).

Conditions:
Nemaline myopathy 6 (NEM6). Also called: Nemaline myopathy 6, autosomal dominant. Identifiers: Orphanet 171439, MedGen C1836472, MONDO:0012237, OMIM 609273.

gnomAD v4.1: 1 of 1,538,750 alleles (0.000065%); highest among the groups gnomAD compares: South Asian, 0.0012%; no homozygotes.

Submission:

Labcorp Genetics (formerly Invitae), Labcorp
Classification: Uncertain significance for Nemaline myopathy 6. Last evaluated: 2021-01-02. Review status: criteria provided, single submitter. Criteria: Invitae Variant Classification Sherloc (09022015). Collection method: clinical testing. Allele origin: germline.
Comment: In summary, the available evidence is currently insufficient to determine the role of this variant in disease. Therefore, it has been classified as a Variant of Uncertain Significance. Algorithms developed to predict the effect of missense changes on protein structure and function output the following: SIFT: "Tolerated"; PolyPhen-2: "Probably Damaging"; Align-GVGD: "Class C0". The proline amino acid residue is found in multiple mammalian species, suggesting that this missense change does not adversely affect protein function. These predictions have not been confirmed by published functional studies and their clinical significance is uncertain. This variant has not been reported in the literature in individuals with KBTBD13-related conditions. The frequency data for this variant in the population databases is considered unreliable, as metrics indicate insufficient coverage at this position in the ExAC database. This sequence change replaces leucine with proline at codon 458 of the KBTBD13 protein (p.Leu458Pro). The leucine residue is moderately conserved and there is a moderate physicochemical difference between leucine and proline.